The following is an entry in ClinVar:

ClinVar aggregate classification (germline): Pathogenic/Likely pathogenic. Review status: criteria provided, multiple submitters, no conflicts (2 of 4 stars). 2 submissions from 2 submitters: Pathogenic (1); Likely pathogenic (1). Last evaluated 2022-04-14.

Conditions:
Congenital myotonia, autosomal recessive form. Also called: BECKER DISEASE; Becker Generalized Myotonia; myotonia congenita, autosomal recessive. Identifiers: Orphanet 614, MedGen C0751360, MONDO:0009715, OMIM 255700.
Congenital myotonia, autosomal dominant form (THD). Also called: THOMSEN DISEASE; Myotonia congenita autosomal dominant. Identifiers: Orphanet 614, MedGen C2936781, MONDO:0008055, OMIM 160800.

Submissions (2):

Labcorp Genetics (formerly Invitae), Labcorp
Classification: Pathogenic for Congenital myotonia, autosomal recessive form; Congenital myotonia, autosomal dominant form. Last evaluated: 2022-04-14. Review status: criteria provided, single submitter. Criteria: Invitae Variant Classification Sherloc (09022015). Collection method: clinical testing. Allele origin: germline.
Comment: For these reasons, this variant has been classified as Pathogenic. Algorithms developed to predict the effect of sequence changes on RNA splicing suggest that this variant may disrupt the consensus splice site. This variant has not been reported in the literature in individuals affected with CLCN1-related conditions. This variant is not present in population databases (gnomAD no frequency). This sequence change creates a premature translational stop signal (p.Gln259*) in the CLCN1 gene. It is expected to result in an absent or disrupted protein product. Loss-of-function variants in CLCN1 are known to be pathogenic (PMID: 17932099, 22094069, 23739125).

Department Of Human Genetics, Institute Of Clinical And Translational Research, Biomedical Research Center, Slovak Academy Of Sciences
Classification: Likely pathogenic for Congenital myotonia, autosomal recessive form. Review status: criteria provided, single submitter. Criteria: ACMG Guidelines, 2015. Collection method: research. Allele origin: germline. Inheritance: Autosomal recessive inheritance. Affected: yes. Observed: 1 variant allele.
Comment: It leads to a premature stop codon and has not been reported in the public part of the HGMD or gnomAD Exomes databases.

Literature cited by the submitters: PubMed 17932099 (cited by Labcorp Genetics (formerly Invitae), Labcorp); PubMed 22094069 (cited by Labcorp Genetics (formerly Invitae), Labcorp); PubMed 23739125 (cited by Labcorp Genetics (formerly Invitae), Labcorp).

NM_000083.3(CLCN1):c.775C>T (p.Gln259Ter)

Gene: CLCN1 (chloride voltage-gated channel 1; plus strand). Cytogenetic location: 7q34.
Variant type: single nucleotide variant.
Coding change: c.775C>T on transcript NM_000083.3 (MANE Select); coding-DNA position 775, C replaced by T.
Protein change: p.Gln259Ter; replaces glutamine 259 with a stop codon.
Molecular consequence: nonsense. On other transcripts: non-coding transcript variant (1).
Genome position (GRCh38, 1-based): chr7:143,324,414, C>T. VCF-style: chr7-143324414-C-T. GRCh37 (hg19) VCF-style: chr7-143021507-C-T.
Other names: short protein forms Q259*.
Identifiers: ClinVar variation 1363119 (VCV001363119.7), dbSNP rs2116842799, ClinGen allele CA369687461.